The following is an entry in ClinVar:

ClinVar aggregate classification (germline): Pathogenic (1 of 4 stars; one submission).

Conditions:
Biotinidase deficiency. Also called: BTD deficiency; Late-onset biotin-responsive multiple carboxylase deficiency; Biotin deficiency. Identifiers: Orphanet 79241, MedGen C0220754, MONDO:0009665, OMIM 253260.

Submission:

Labcorp Genetics (formerly Invitae), Labcorp
Classification: Pathogenic for Biotinidase deficiency. Last evaluated: 2024-11-24. Review status: criteria provided, single submitter. Criteria: Invitae Variant Classification Sherloc (09022015). Collection method: clinical testing. Allele origin: germline.
Comment: This sequence change creates a premature translational stop signal (p.Leu427Argfs*16) in the BTD gene. It is expected to result in an absent or disrupted protein product. Loss-of-function variants in BTD are known to be pathogenic (PMID: 20083419). This variant is not present in population databases (gnomAD no frequency). This variant has not been reported in the literature in individuals affected with BTD-related conditions. For these reasons, this variant has been classified as Pathogenic.

Literature cited by the submitters: PubMed 20083419.

NM_001370658.1(BTD):c.1220_1224del (p.Leu407fs)

Gene: BTD (biotinidase; plus strand). Cytogenetic location: 3p25.1.
Variant type: Microsatellite.
Coding change: c.1220_1224del on transcript NM_001370658.1 (MANE Select); coding-DNA positions 1220 to 1224, 5 bases deleted (TTTAC; older notation c.1220_1224delTTTAC).
Protein change: p.Leu407fs; shifts the reading frame from leucine 407.
Molecular consequence: frameshift variant. On other transcripts: intron variant (8).
Genome position (GRCh38, 1-based): chr3:15,645,136-15,645,140, TTTAC deleted; deleting any 5 consecutive bases within chr3:15,645,131-15,645,140 gives the same sequence; the c. name uses the placement nearest the transcript's 3' end. VCF-style (leftmost placement, unchanged base first): chr3-15645130-ATTTAC-A. GRCh37 (hg19) VCF-style: chr3-15686637-ATTTAC-A.
Other names: c.1015+205_1015+209del (NM_001370752.1, NM_001407379.1); c.399+3079_399+3083del (NM_001370753.1, NM_001407400.1, NM_001407380.1 and 3 more transcripts); c.1220_1224del, p.Leu407fs (NM_001281723.4, NM_001281724.3, NM_001281725.3 and 16 more transcripts); short protein forms L407fs.
Identifiers: ClinVar variation 3725967 (VCV003725967.2).